The following is an entry in ClinVar:

ClinVar aggregate classification (germline): Uncertain significance (1 of 4 stars; one submission).

Conditions:
Hereditary cancer-predisposing syndrome. Also called: Neoplastic Syndromes, Hereditary; Tumor predisposition; Hereditary neoplastic syndrome; Hereditary Cancer Syndrome. Identifiers: Orphanet 140162, MedGen C0027672, MeSH D009386, MONDO:0015356.

gnomAD v4.1: 1 of 1,614,112 alleles (0.000062%); highest among the groups gnomAD compares: Non-Finnish European, 0.000085%; no homozygotes.

Submission:

Ambry Genetics
Classification: Uncertain significance for Hereditary cancer-predisposing syndrome. Last evaluated: 2024-04-01. Review status: criteria provided, single submitter. Criteria: Ambry Variant Classification Scheme 2023. Collection method: clinical testing. Allele origin: germline.
Comment: The p.L664F variant (also known as c.1990C>T), located in coding exon 14 of the PTCH1 gene, results from a C to T substitution at nucleotide position 1990. The leucine at codon 664 is replaced by phenylalanine, an amino acid with highly similar properties. This amino acid position is conserved. In addition, the in silico prediction for this alteration is inconclusive. Based on the available evidence, the clinical significance of this alteration remains unclear.

NM_000264.5(PTCH1):c.1990C>T (p.Leu664Phe)

Genes: PTCH1 (patched 1; minus strand), LOC100507346 (uncharacterized LOC100507346; plus strand). Cytogenetic location: 9q22.32.
Variant type: single nucleotide variant.
Coding change: c.1990C>T on transcript NM_000264.5 (MANE Select); coding-DNA position 1990, C replaced by T.
Protein change: p.Leu664Phe; replaces leucine 664 with phenylalanine.
Molecular consequence: missense variant. On other transcripts: non-coding transcript variant (2).
Genome position (GRCh38, 1-based): chr9:95,469,011, G>A on the plus strand (C>T on the coding strand, the complement: PTCH1 is on the minus strand). VCF-style: chr9-95469011-G-A. GRCh37 (hg19) VCF-style: chr9-98231293-G-A.
Other names: c.1792C>T, p.Leu598Phe (NM_001083602.3); c.1987C>T, p.Leu663Phe (NM_001083603.3); c.1537C>T, p.Leu513Phe (NM_001083604.3, NM_001083605.3, NM_001083606.3 and 1 more transcripts); c.1834C>T, p.Leu612Phe (NM_001354918.2); short protein forms L612F, L664F, L598F, L513F, L663F.
Identifiers: ClinVar variation 3311148 (VCV003311148.1).